The following is an entry in ClinVar:

ClinVar aggregate classification (germline): Uncertain significance (1 of 4 stars; one submission).

Conditions:
Cardiovascular phenotype. Identifiers: MedGen CN230736.

Submission:

Ambry Genetics
Classification: Uncertain significance for Cardiovascular phenotype. Last evaluated: 2025-01-08. Review status: criteria provided, single submitter. Criteria: Ambry Variant Classification Scheme 2023. Collection method: clinical testing. Allele origin: germline.
Comment: The p.V768L variant (also known as c.2302G>C), located in coding exon 23 of the MYBPC3 gene, results from a G to C substitution at nucleotide position 2302. The valine at codon 768 is replaced by leucine, an amino acid with highly similar properties. This amino acid position is highly conserved in available vertebrate species. In addition, this alteration is predicted to be deleterious by in silico analysis. Based on the available evidence, the clinical significance of this variant remains unclear.

NM_000256.3(MYBPC3):c.2302G>C (p.Val768Leu)

Gene: MYBPC3 (myosin binding protein C3; minus strand). Cytogenetic location: 11p11.2.
Variant type: single nucleotide variant.
Coding change: c.2302G>C on transcript NM_000256.3 (MANE Select); coding-DNA position 2302, G replaced by C.
Protein change: p.Val768Leu; replaces valine 768 with leucine.
Molecular consequence: missense variant.
Genome position (GRCh38, 1-based): chr11:47,338,526, C>G on the plus strand (G>C on the coding strand, the complement: MYBPC3 is on the minus strand). VCF-style: chr11-47338526-C-G. GRCh37 (hg19) VCF-style: chr11-47360077-C-G.
Other names: short protein forms V768L.
Identifiers: ClinVar variation 3876134 (VCV003876134.1).
Genomic context (GRCh38, chr11:47,338,526, plus strand): 5'-CCTCCTTGGGGCTGCCCCTCTGTGTTCTCCAGCTTGGACCCCGGCCGGCCTCACCGATGA[C>G]CTTGACTGTGAGGTTGACCTGGTCCTCGCCCACAGGGTTCTTCACTGTGACCGTGTAGAC-3'
Protein context (NP_000247.2, residues 758-778): GEDQVNLTVK[Val768Leu]IDVPDAPAAP